The following is an entry in ClinVar:

ClinVar aggregate classification (germline): Uncertain significance (1 of 4 stars; one submission).

Conditions:
Loeys-Dietz syndrome 2 (LDS2). Also called: TGFBR2-Related Loeys-Dietz Syndrome; Marfan syndrome, type 2 (formerly); AORTIC ANEURYSM, FAMILIAL THORACIC 3; MARFAN SYNDROME, TYPE II; Marfan Syndrome type 2; Marfan like connective tissue disorder. Identifiers: Orphanet 284973, Orphanet 558, MedGen C2674574, MONDO:0012427, OMIM 610168.

Submission:

Labcorp Genetics (formerly Invitae), Labcorp
Classification: Uncertain significance for Loeys-Dietz syndrome 2. Last evaluated: 2023-10-11. Review status: criteria provided, single submitter. Criteria: Invitae Variant Classification Sherloc (09022015). Collection method: clinical testing. Allele origin: germline.
Comment: This sequence change replaces threonine, which is neutral and polar, with serine, which is neutral and polar, at codon 57 of the TMPO protein (p.Thr57Ser). This variant is not present in population databases (gnomAD no frequency). This variant has not been reported in the literature in individuals affected with TMPO-related conditions. Algorithms developed to predict the effect of missense changes on protein structure and function output the following: SIFT: "Not Available"; PolyPhen-2: "Benign"; Align-GVGD: "Not Available". The serine amino acid residue is found in multiple mammalian species, which suggests that this missense change does not adversely affect protein function. In summary, the available evidence is currently insufficient to determine the role of this variant in disease. Therefore, it has been classified as a Variant of Uncertain Significance.

NM_001032283.3(TMPO):c.170C>G (p.Thr57Ser)

Genes: TMPO (thymopoietin; plus strand), TMPO-AS1 (TMPO antisense RNA 1; minus strand). Cytogenetic location: 12q23.1.
Variant type: single nucleotide variant.
Coding change: c.170C>G on transcript NM_001032283.3 (MANE Select); coding-DNA position 170, C replaced by G.
Protein change: p.Thr57Ser; replaces threonine 57 with serine.
Molecular consequence: missense variant. On other transcripts: non-coding transcript variant (1).
Genome position (GRCh38, 1-based): chr12:98,516,037, C>G. VCF-style: chr12-98516037-C-G. GRCh37 (hg19) VCF-style: chr12-98909815-C-G.
Other names: c.170C>G, p.Thr57Ser (NM_001032284.3, NM_001307975.2, NM_003276.2); short protein forms T57S.
Identifiers: ClinVar variation 2767578 (VCV002767578.3), dbSNP rs750410131, ClinGen allele CA386239576.